The following is an entry in ClinVar:

NM_006767.4(LZTR1):c.2112G>A (p.Gly704=)

Gene: LZTR1 (leucine zipper like post translational regulator 1; plus strand). Cytogenetic location: 22q11.21.
Variant type: single nucleotide variant.
Coding change: c.2112G>A on transcript NM_006767.4 (MANE Select); coding-DNA position 2112, G replaced by A.
Protein change: p.Gly704=; no amino-acid change (glycine 704 retained).
Molecular consequence: synonymous variant.
Genome position (GRCh38, 1-based): chr22:20,996,005, G>A. VCF-style: chr22-20996005-G-A. GRCh37 (hg19) VCF-style: chr22-21350294-G-A.
Other names: c.2112G>A (NM_006767.3).
Identifiers: ClinVar variation 1460326 (VCV001460326.9), dbSNP rs368120713, ClinGen allele CA10119250.

ClinVar aggregate classification (germline): Conflicting classifications of pathogenicity. Review status: criteria provided, conflicting classifications (1 of 4 stars). 2 submissions from 2 submitters: Uncertain significance (1); Likely benign (1). Last evaluated 2025-07-27.

Conditions:
Cardiovascular phenotype. Identifiers: MedGen CN230736.
Hereditary cancer-predisposing syndrome. Also called: Tumor predisposition; Hereditary neoplastic syndrome; Hereditary Cancer Syndrome; Neoplastic Syndromes, Hereditary. Identifiers: Orphanet 140162, MedGen C0027672, MeSH D009386, MONDO:0015356.

Allele frequency attached by ClinVar (database versions not stated): gnomAD exomes below 0.00001 and 0.00001; ExAC 0.00001; gnomAD 0.00001; TOPMed 0.00002; ESP Exome Variant Server 0.00008.
gnomAD v4.1: 4 of 1,613,580 alleles (0.00025%); highest among the groups gnomAD compares: African/African-American, 0.0027%; no homozygotes.

Submissions (2):

Labcorp Genetics (formerly Invitae), Labcorp
Classification: Likely benign. Last evaluated: 2025-07-27. Review status: criteria provided, single submitter. Criteria: Invitae Variant Classification Sherloc (09022015). Collection method: clinical testing. Allele origin: germline.

Ambry Genetics
Classification: Uncertain significance for Cardiovascular phenotype; Hereditary cancer-predisposing syndrome. Last evaluated: 2025-06-26. Review status: criteria provided, single submitter. Criteria: Ambry Variant Classification Scheme 2023. Collection method: clinical testing. Allele origin: germline.
Comment: The c.2112G>A variant (also known as p.G704G), located in coding exon 18 of the LZTR1 gene, results from a G to A substitution at nucleotide position 2112. This nucleotide substitution does not change the amino acid at codon 704. This nucleotide position is not well conserved in available vertebrate species. In silico splice site analysis for this alteration is inconclusive. Based on the available evidence, the clinical significance of this variant remains unclear.